The following is an entry in ClinVar:

ClinVar aggregate classification (germline): Uncertain significance. Review status: criteria provided, multiple submitters, no conflicts (2 of 4 stars). 3 submissions from 3 submitters: Uncertain significance (3). Last evaluated 2025-10-14.

Conditions:
Tietz syndrome (TADS). Also called: TIETZ ALBINISM-DEAFNESS SYNDROME; ALBINISM-DEAFNESS OF TIETZ; HYPOPIGMENTATION/DEAFNESS OF TIETZ. Identifiers: Orphanet 42665, MedGen C0391816, MONDO:0007077, OMIM 103500.
Waardenburg syndrome type 2A (WS2A). Also called: WAARDENBURG SYNDROME WITHOUT DYSTOPIA CANTHORUM. Identifiers: Orphanet 3440, MedGen C1860339, MONDO:0008671, OMIM 193510.
Melanoma, cutaneous malignant, susceptibility to, 8. Also called: Cutaneous malignant melanoma 8; MELANOMA AND RENAL CELL CARCINOMA, SUSCEPTIBILITY TO. Identifiers: Orphanet 293822, MedGen C3152204, MONDO:0013759, OMIM 614456.
Coloboma, osteopetrosis, microphthalmia, macrocephaly, albinism, and deafness (COMMAD). Also called: COMMAD syndrome. Identifiers: Orphanet 603494, MedGen C4310625, MONDO:0015014, OMIM 617306.

Allele frequency attached by ClinVar (database versions not stated): gnomAD 0.00001; gnomAD exomes 0.00001; TOPMed 0.00001; ExAC 0.00002; ESP Exome Variant Server 0.00008.
gnomAD v4.1: 16 of 1,614,038 alleles (0.00099%); highest among the groups gnomAD compares: East Asian, 0.013%; no homozygotes.

Submissions (3):

Labcorp Genetics (formerly Invitae), Labcorp
Classification: Uncertain significance for Melanoma, cutaneous malignant, susceptibility to, 8; Waardenburg syndrome type 2A; Tietz syndrome. Last evaluated: 2025-10-14. Review status: criteria provided, single submitter. Criteria: Invitae Variant Classification Sherloc (09022015). Collection method: clinical testing. Allele origin: germline.
Comment: This sequence change replaces aspartic acid, which is acidic and polar, with asparagine, which is neutral and polar, at codon 59 of the MITF protein (p.Asp59Asn). This variant is present in population databases (rs145387068, gnomAD 0.04%). This variant has not been reported in the literature in individuals affected with MITF-related conditions. ClinVar contains an entry for this variant (Variation ID: 1973997). Invitae Evidence Modeling of protein sequence and biophysical properties (such as structural, functional, and spatial information, amino acid conservation, physicochemical variation, residue mobility, and thermodynamic stability) indicates that this missense variant is not expected to disrupt MITF protein function with a negative predictive value of 80%. In summary, the available evidence is currently insufficient to determine the role of this variant in disease. Therefore, it has been classified as a Variant of Uncertain Significance.

Fulgent Genetics
Classification: Uncertain significance for Tietz syndrome; Waardenburg syndrome type 2A; Melanoma, cutaneous malignant, susceptibility to, 8; Coloboma, osteopetrosis, microphthalmia, macrocephaly, albinism, and deafness. Last evaluated: 2024-05-14. Review status: criteria provided, single submitter. Criteria: ACMG Guidelines, 2015. Collection method: clinical testing. Allele origin: germline.

GeneDx
Classification: Uncertain significance. Last evaluated: 2023-07-13. Review status: criteria provided, single submitter. Criteria: GeneDx Variant Classification Process June 2021. Collection method: clinical testing. Allele origin: germline. Affected: yes.
Comment: In silico analysis supports that this missense variant does not alter protein structure/function; Has not been previously published as pathogenic or benign to our knowledge

NM_001354604.2(MITF):c.496G>A (p.Asp166Asn)

Gene: MITF (melanocyte inducing transcription factor; plus strand). Cytogenetic location: 3p13.
Variant type: single nucleotide variant.
Coding change: c.496G>A on transcript NM_001354604.2 (MANE Select); coding-DNA position 496, G replaced by A.
Protein change: p.Asp166Asn; replaces aspartic acid 166 with asparagine.
Molecular consequence: missense variant. On other transcripts: intron variant (1).
Genome position (GRCh38, 1-based): chr3:69,937,963, G>A. VCF-style: chr3-69937963-G-A. GRCh37 (hg19) VCF-style: chr3-69987114-G-A.
Other names: c.175G>A, p.Asp59Asn (NM_000248.4, NM_001184968.2, NM_198158.3); c.340G>A, p.Asp114Asn (NM_001184967.2, NM_001354608.2); c.493G>A, p.Asp165Asn (NM_001354605.2, NM_001354606.2, NM_006722.3); c.445G>A, p.Asp149Asn (NM_001354607.2); c.496G>A, p.Asp166Asn (NM_198159.3); c.448G>A, p.Asp150Asn (NM_198177.3); c.93+82G>A (NM_198178.3); short protein forms D150N, D59N, D166N, D114N, D149N, D165N.
Identifiers: ClinVar variation 1973997 (VCV001973997.7), dbSNP rs145387068, ClinGen allele CA2490364.